The following is an entry in ClinVar:

ClinVar aggregate classification (germline): Uncertain significance. Review status: criteria provided, multiple submitters, no conflicts (2 of 4 stars). 2 submissions from 2 submitters: Uncertain significance (2). Last evaluated 2024-03-06.

Conditions:
Cardiac arrhythmia. Also called: Cardiac rhythm disease; Arrhythmia. Identifiers: MedGen C0003811, MONDO:0007263, HP:0011675.
Long QT syndrome (LQTS). Identifiers: MedGen C0023976, MeSH D008133, MONDO:0002442. Disease mechanism: loss of function. Inheritance: Various modes of inheritance.

gnomAD v4.1: 8 of 1,614,178 alleles (0.0005%); highest among the groups gnomAD compares: Non-Finnish European, 0.00068%; no homozygotes.

Submissions (2):

Color Diagnostics, LLC DBA Color Health
Classification: Uncertain significance for Cardiac arrhythmia. Last evaluated: 2024-03-06. Review status: criteria provided, single submitter. Criteria: ACMG Guidelines, 2015. Collection method: clinical testing. Allele origin: germline.
Comment: This missense variant replaces aspartic acid with tyrosine at codon 850 of the KCNH2 protein. Computational prediction suggests that this variant may have deleterious impact on protein structure and function (internally defined REVEL score threshold >= 0.7, PMID: 27666373). To our knowledge, functional studies have not been reported for this variant. This variant has not been reported in individuals affected with KCNH2-related disorders in the literature. This variant has not been identified in the general population by the Genome Aggregation Database (gnomAD). The available evidence is insufficient to determine the role of this variant in disease conclusively. Therefore, this variant is classified as a Variant of Uncertain Significance.

All of Us Research Program, National Institutes of Health
Classification: Uncertain significance for Long QT syndrome. Last evaluated: 2023-06-26. Review status: criteria provided, single submitter. Criteria: ACMG Guidelines, 2015. Collection method: clinical testing. Allele origin: germline. Inheritance: Autosomal dominant inheritance. Observed: 1 variant allele, 1 heterozygote.
Comment: Variant of Uncertain Significance due to insufficient evidence: This missense variant is located in the C-terminal cytoplasmic domain of the KCNH2 protein. Computational prediction tools and conservation analyses suggest that this variant may have deleterious impact on the protein function. Computational splicing tools suggest that this variant may not impact RNA splicing. To our knowledge, functional assays have not been performed for this variant nor has this variant been reported in individuals affected with cardiovascular disorders in the literature. This variant is rare in the general population and has been identified in 0/277264 chromosomes by the Genome Aggregation Database (gnomAD). Available evidence is insufficient to determine the role of this variant in disease conclusively.

This study involves interpretation of variants in research participants for the purpose of population health screening. Participant phenotype was not available at the time of variant classification. Additional details can be found in publication PMID: 35346344, PMCID: PMC8962531

NM_000238.4(KCNH2):c.2548G>T (p.Asp850Tyr)

Gene: KCNH2 (potassium voltage-gated channel subfamily H member 2; minus strand). Cytogenetic location: 7q36.1.
Variant type: single nucleotide variant.
Coding change: c.2548G>T on transcript NM_000238.4 (MANE Select); coding-DNA position 2548, G replaced by T.
Protein change: p.Asp850Tyr; replaces aspartic acid 850 with tyrosine.
Molecular consequence: missense variant.
Genome position (GRCh38, 1-based): chr7:150,948,900, C>A on the plus strand (G>T on the coding strand, the complement: KCNH2 is on the minus strand). VCF-style: chr7-150948900-C-A. GRCh37 (hg19) VCF-style: chr7-150645988-C-A.
Other names: c.1528G>T, p.Asp510Tyr (NM_172057.3); short protein forms D510Y, D850Y.
Identifiers: ClinVar variation 922966 (VCV000922966.8), dbSNP rs1036885088, ClinGen allele CA369854844.